The following is an entry in ClinVar:

NM_001160305.4(SETD6):c.1334C>T (p.Ala445Val)

Gene: SETD6 (SET domain containing 6, protein lysine methyltransferase; plus strand). Cytogenetic location: 16q21.
Variant type: single nucleotide variant.
Coding change: c.1334C>T on transcript NM_001160305.4 (MANE Select); coding-DNA position 1334, C replaced by T.
Protein change: p.Ala445Val; replaces alanine 445 with valine.
Molecular consequence: missense variant. On other transcripts: non-coding transcript variant (1).
Genome position (GRCh38, 1-based): chr16:58,518,941, C>T. VCF-style: chr16-58518941-C-T. GRCh37 (hg19) VCF-style: chr16-58552845-C-T.
Other names: c.1262C>T, p.Ala421Val (NM_024860.3); short protein forms A421V, A445V.
Identifiers: ClinVar variation 3239046 (VCV003239046.19), dbSNP rs36085499.

ClinVar aggregate classification (germline): Likely benign (1 of 4 stars; one submission).

Allele frequency attached by ClinVar (database versions not stated): 1000 Genomes Project 30x 0.00047; 1000 Genomes Project 0.00060; ExAC 0.00166; gnomAD 0.00201; ESP Exome Variant Server 0.00223; TOPMed 0.00245; gnomAD exomes 0.00323.

Submission:

CeGaT Center for Human Genetics Tuebingen
Classification: Likely benign. Last evaluated: 2024-05-01. Review status: criteria provided, single submitter. Criteria: CeGaT Center For Human Genetics Tuebingen Variant Classification Criteria Version 2. Collection method: clinical testing. Allele origin: germline. Affected: yes. Observed: 1 variant allele.
Comment: SETD6: BP4, BS2